The following is an entry in ClinVar:

NM_001388492.1(HTT):c.6393G>C (p.Met2131Ile)

Gene: HTT (huntingtin; plus strand). Cytogenetic location: 4p16.3.
Variant type: single nucleotide variant.
Coding change: c.6393G>C on transcript NM_001388492.1 (MANE Select); coding-DNA position 6393, G replaced by C.
Protein change: p.Met2131Ile; replaces methionine 2131 with isoleucine.
Molecular consequence: missense variant.
Genome position (GRCh38, 1-based): chr4:3,209,928, G>C. VCF-style: chr4-3209928-G-C. GRCh37 (hg19) VCF-style: chr4-3211655-G-C.
Other names: c.6399G>C, p.Met2133Ile (NM_002111.8); short protein forms M2133I, M2131I.
Identifiers: ClinVar variation 1446316 (VCV001446316.6), dbSNP rs1229464941, ClinGen allele CA356087798.

ClinVar aggregate classification (germline): Uncertain significance (1 of 4 stars; one submission).

Allele frequency attached by ClinVar (database versions not stated): gnomAD 0.00001; TOPMed 0.00001.
gnomAD v4.1: 5 of 1,613,954 alleles (0.00031%); highest among the groups gnomAD compares: East Asian, 0.0022%; no homozygotes.

Submission:

Labcorp Genetics (formerly Invitae), Labcorp
Classification: Uncertain significance. Last evaluated: 2022-07-06. Review status: criteria provided, single submitter. Criteria: Invitae Variant Classification Sherloc (09022015). Collection method: clinical testing. Allele origin: germline.
Comment: Experimental studies and prediction algorithms are not available or were not evaluated, and the functional significance of this variant is currently unknown. ClinVar contains an entry for this variant (Variation ID: 1446316). This variant has not been reported in the literature in individuals affected with HTT-related conditions. This variant is not present in population databases (gnomAD no frequency). This sequence change replaces methionine with isoleucine at codon 2133 of the HTT protein (p.Met2133Ile). The methionine residue is weakly conserved and there is a small physicochemical difference between methionine and isoleucine. In summary, the available evidence is currently insufficient to determine the role of this variant in disease. Therefore, it has been classified as a Variant of Uncertain Significance.